The following is an entry in ClinVar:

ClinVar aggregate classification (germline): Uncertain significance (1 of 4 stars; one submission).

gnomAD v4.1: 2 of 1,614,108 alleles (0.00012%); highest among the groups gnomAD compares: South Asian, 0.0022%; no homozygotes.

Submission:

GeneDx
Classification: Uncertain significance. Last evaluated: 2026-01-28. Review status: criteria provided, single submitter. Criteria: GeneDx Variant Classification Process June 2021. Collection method: clinical testing. Allele origin: germline.
Comment: Not observed at significant frequency in large population cohorts (gnomAD); In silico analysis supports that this missense variant has a deleterious effect on protein structure/function; Has not been previously published as pathogenic or benign to our knowledge

NM_000350.3(ABCA4):c.3275T>C (p.Val1092Ala)

Gene: ABCA4 (ATP binding cassette subfamily A member 4; minus strand). Cytogenetic location: 1p22.1.
Variant type: single nucleotide variant.
Coding change: c.3275T>C on transcript NM_000350.3 (MANE Select); coding-DNA position 3275, T replaced by C.
Protein change: p.Val1092Ala; replaces valine 1092 with alanine.
Molecular consequence: missense variant.
Genome position (GRCh38, 1-based): chr1:94,042,814, A>G on the plus strand (T>C on the coding strand, the complement: ABCA4 is on the minus strand). VCF-style: chr1-94042814-A-G. GRCh37 (hg19) VCF-style: chr1-94508370-A-G.
Other names: c.3053T>C, p.Val1018Ala (NM_001425324.1); short protein forms V1018A, V1092A.
Identifiers: ClinVar variation 4975832 (VCV004975832.1).